The following is an entry in ClinVar:

ClinVar aggregate classification (germline): Pathogenic (1 of 4 stars; one submission).

Conditions:
Primary dilated cardiomyopathy (DCM). Also called: Dilated Cardiomyopathy. Identifiers: Orphanet 217604, MedGen C0007193, MeSH D002311, MONDO:0005021, HP:0001644. Inheritance: Various modes of inheritance.

Submission:

Loeys Lab, Universiteit Antwerpen
Classification: Pathogenic for Primary dilated cardiomyopathy. Last evaluated: 2021-02-26. Review status: criteria provided, single submitter. Criteria: ACMG Guidelines, 2015. Collection method: clinical testing. Allele origin: somatic. Affected: yes. Observed: 1 variant allele, 1 heterozygote.
Comment: This sequence change results in a truncating variant of the TTN gene (p.( Tyr23174*))The variant is absent from population databases such as gnomAD (PM2). The variant has not been described before. Functional studies have not been performed. However truncating and frameshift mutations in TTN are a well-known mechanism for dilated cardiomyopathy (PMID: 22335739) (PVS1). The variant is located in the A-band of the titin-protein which is a known hotspot for pathogenic variants (PM1). In conclusion this variant was classified as pathogenic according to ACMG-guidelines (PVS1, PM1, PM2).

Literature cited by the submitters: PubMed 22335739.

NM_001267550.2(TTN):c.69522T>G (p.Tyr23174Ter)

Genes: TTN (titin; minus strand), TTN-AS1 (TTN antisense RNA 1; plus strand). Cytogenetic location: 2q31.2.
Variant type: single nucleotide variant.
Coding change: c.69522T>G on transcript NM_001267550.2 (MANE Select); coding-DNA position 69522, T replaced by G.
Protein change: p.Tyr23174Ter; replaces tyrosine 23174 with a stop codon.
Molecular consequence: nonsense.
Genome position (GRCh38, 1-based): chr2:178,576,722, A>C on the plus strand (T>G on the coding strand, the complement: TTN is on the minus strand). VCF-style: chr2-178576722-A-C. GRCh37 (hg19) VCF-style: chr2-179441449-A-C.
Other names: c.64599T>G, p.Tyr21533Ter (NM_001256850.1); c.42327T>G, p.Tyr14109Ter (NM_003319.4); c.61818T>G, p.Tyr20606Ter (NM_133378.4); c.42702T>G, p.Tyr14234Ter (NM_133432.3); c.42903T>G, p.Tyr14301Ter (NM_133437.4); short protein forms Y14109*, Y14234*, Y14301*, Y20606*, Y21533*, Y23174*.
Identifiers: ClinVar variation 1065189 (VCV001065189.2), dbSNP rs2154173235, ClinGen allele CA349667743.
Genomic context (GRCh38, chr2:178,576,722, plus strand): 5'-AACTGGTGTTTTTATTGCTCTCACCCATCGCAGGCTTTTCTTTTCTCTCCTTTCTACATG[A>C]TATCCTGTAATTTCGCTGCCACCATCATCCACTGGCCTTTTCCAGCTGACAGTGGCAGTG-3'